The following is an entry in ClinVar:

ClinVar aggregate classification (germline): Benign/Likely benign. Review status: criteria provided, multiple submitters, no conflicts (2 of 4 stars). 3 submissions from 3 submitters: Benign (1); Likely benign (2). Last evaluated 2024-04-15.

Conditions:
Hereditary cancer-predisposing syndrome. Also called: Neoplastic Syndromes, Hereditary; Tumor predisposition; Hereditary Cancer Syndrome; Hereditary neoplastic syndrome. Identifiers: Orphanet 140162, MedGen C0027672, MeSH D009386, MONDO:0015356.
Familial adenomatous polyposis 1 (FAP1). Also called: FAMILIAL ADENOMATOUS POLYPOSIS 1, ATTENUATED; POLYPOSIS, ADENOMATOUS INTESTINAL. Identifiers: MedGen C2713442, MONDO:0021056, OMIM 175100. Disease mechanism: loss of function.

Allele frequency attached by ClinVar (database versions not stated): gnomAD exomes below 0.00001; ExAC 0.00001.
gnomAD v4.1: 5 of 1,612,774 alleles (0.00031%); highest among the groups gnomAD compares: East Asian, 0.0045%; no homozygotes.

Submissions (3):

Myriad Genetics, Inc.
Classification: Benign for Familial adenomatous polyposis 1. Last evaluated: 2024-04-15. Review status: criteria provided, single submitter. Criteria: Myriad Autosomal Dominant, Autosomal Recessive and X-Linked Classification Criteria (2023). Collection method: clinical testing. Allele origin: unknown.
Comment: This variant is considered benign. This variant is a silent/synonymous amino acid change and it is not expected to impact splicing.

Labcorp Genetics (formerly Invitae), Labcorp
Classification: Likely benign for Familial adenomatous polyposis 1. Last evaluated: 2023-03-07. Review status: criteria provided, single submitter. Criteria: Invitae Variant Classification Sherloc (09022015). Collection method: clinical testing. Allele origin: germline.

Ambry Genetics
Classification: Likely benign for Hereditary cancer-predisposing syndrome. Last evaluated: 2021-12-17. Review status: criteria provided, single submitter. Criteria: Ambry Variant Classification Scheme 2023. Collection method: clinical testing. Allele origin: germline.

NM_000038.6(APC):c.8328T>A (p.Thr2776=)

Gene: APC (APC regulator of Wnt signaling pathway; plus strand). Cytogenetic location: 5q22.2.
Variant type: single nucleotide variant.
Coding change: c.8328T>A on transcript NM_000038.6 (MANE Select); coding-DNA position 8328, T replaced by A.
Protein change: p.Thr2776=; no amino-acid change (threonine 2776 retained).
Molecular consequence: synonymous variant. On other transcripts: non-coding transcript variant (2).
Genome position (GRCh38, 1-based): chr5:112,843,922, T>A. VCF-style: chr5-112843922-T-A. GRCh37 (hg19) VCF-style: chr5-112179619-T-A.
Other names: c.8328T>A, p.Thr2776= (NM_001127510.3, NM_001354895.2, NM_001407450.1); c.8274T>A, p.Thr2758= (NM_001127511.3); c.8382T>A, p.Thr2794= (NM_001354896.2, NM_001407447.1, NM_001407448.1 and 1 more transcripts); c.8358T>A, p.Thr2786= (NM_001354897.2); c.8253T>A, p.Thr2751= (NM_001354898.2); c.8244T>A, p.Thr2748= (NM_001354899.2); c.8205T>A, p.Thr2735= (NM_001354900.2); c.8151T>A, p.Thr2717= (NM_001354901.2, NM_001407453.1); and 11 more.
Identifiers: ClinVar variation 1762945 (VCV001762945.6), dbSNP rs776639348, ClinGen allele CA050455.
Genomic context (GRCh38, chr5:112,843,922, plus strand): 5'-AGTGGAACGTACCCCATTCAGTTCTAGCAGCTCAAGCAAACACAGTTCACCTAGTGGGAC[T>A]GTTGCTGCCAGAGTGACTCCTTTTAATTACAACCCAAGCCCTAGGAAAAGCAGCGCAGAT-3'
Protein context (NP_000029.2, residues 2766-2786): SSSKHSSPSG[Thr2776=]VAARVTPFNY